The following is an entry in ClinVar:

ClinVar aggregate classification (germline): Uncertain significance (1 of 4 stars; one submission).

Conditions:
Developmental and epileptic encephalopathy, 1 (DEE1). Also called: X-linked infantile spasms; West's syndrome; Tonic spasms with clustering, arrest of psychomotor development and hypsarrhythmia on EEG; X-Linked Infantile Spasm Syndrome; OHTAHARA SYNDROME, X-LINKED; Epileptic encephalopathy, early infantile, 1. Identifiers: MedGen C3463992, MONDO:0010632, OMIM 308350. Disease mechanism: loss of function.
Intellectual disability, X-linked, with or without seizures, ARX-related. Also called: INTELLECTUAL DEVELOPMENTAL DISORDER, X-LINKED 29; MENTAL RETARDATION, X-LINKED 29; MENTAL RETARDATION, X-LINKED 32; MENTAL RETARDATION, X-LINKED 33; MENTAL RETARDATION, X-LINKED 38; MENTAL RETARDATION, X-LINKED 43. Identifiers: Orphanet 777, MedGen C0796244, MONDO:0010317, OMIM 300419.

Submission:

Labcorp Genetics (formerly Invitae), Labcorp
Classification: Uncertain significance for Developmental and epileptic encephalopathy, 1; Intellectual disability, X-linked, with or without seizures, ARX-related. Last evaluated: 2023-08-17. Review status: criteria provided, single submitter. Criteria: Invitae Variant Classification Sherloc (09022015). Collection method: clinical testing. Allele origin: germline.
Comment: In summary, the available evidence is currently insufficient to determine the role of this variant in disease. Therefore, it has been classified as a Variant of Uncertain Significance. This sequence change replaces leucine, which is neutral and non-polar, with valine, which is neutral and non-polar, at codon 414 of the ARX protein (p.Leu414Val). This variant is not present in population databases (gnomAD no frequency). This variant has not been reported in the literature in individuals affected with ARX-related conditions. Advanced modeling of protein sequence and biophysical properties (such as structural, functional, and spatial information, amino acid conservation, physicochemical variation, residue mobility, and thermodynamic stability) performed at Invitae indicates that this missense variant is not expected to disrupt ARX protein function.

NM_139058.3(ARX):c.1240C>G (p.Leu414Val)

Gene: ARX (aristaless related homeobox; minus strand). Cytogenetic location: Xp21.3.
Variant type: single nucleotide variant.
Coding change: c.1240C>G on transcript NM_139058.3 (MANE Select); coding-DNA position 1240, C replaced by G.
Protein change: p.Leu414Val; replaces leucine 414 with valine.
Molecular consequence: missense variant.
Genome position (GRCh38, 1-based): chrX:25,007,319, G>C on the plus strand (C>G on the coding strand, the complement: ARX is on the minus strand). VCF-style: chrX-25007319-G-C. GRCh37 (hg19) VCF-style: chrX-25025436-G-C.
Other names: short protein forms L414V.
Identifiers: ClinVar variation 2944783 (VCV002944783.3), dbSNP rs2519101821, ClinGen allele CA412611431.